The following is an entry in ClinVar:

ClinVar aggregate classification (germline): Uncertain significance (1 of 4 stars; one submission).

Conditions:
Hereditary cancer-predisposing syndrome. Also called: Neoplastic Syndromes, Hereditary; Tumor predisposition; Hereditary Cancer Syndrome; Hereditary neoplastic syndrome. Identifiers: Orphanet 140162, MedGen C0027672, MeSH D009386, MONDO:0015356.

Submission:

Ambry Genetics
Classification: Uncertain significance for Hereditary cancer-predisposing syndrome. Last evaluated: 2019-09-08. Review status: criteria provided, single submitter. Criteria: Ambry Variant Classification Scheme 2023. Collection method: clinical testing. Allele origin: germline.
Comment: The p.D8E variant (also known as c.24T>A), located in coding exon 2 of the MRE11A gene, results from a T to A substitution at nucleotide position 24. The aspartic acid at codon 8 is replaced by glutamic acid, an amino acid with highly similar properties. This amino acid position is highly conserved in available vertebrate species. In addition, this alteration is predicted to be tolerated by in silico analysis. Since supporting evidence is limited at this time, the clinical significance of this alteration remains unclear.

NM_005591.4(MRE11):c.24T>A (p.Asp8Glu)

Gene: MRE11 (MRE11 double strand break repair nuclease; minus strand). Cytogenetic location: 11q21.
Variant type: single nucleotide variant.
Coding change: c.24T>A on transcript NM_005591.4 (MANE Select); coding-DNA position 24, T replaced by A.
Protein change: p.Asp8Glu; replaces aspartic acid 8 with glutamic acid.
Molecular consequence: missense variant.
Genome position (GRCh38, 1-based): chr11:94,490,962, A>T on the plus strand (T>A on the coding strand, the complement: MRE11 is on the minus strand). VCF-style: chr11-94490962-A-T. GRCh37 (hg19) VCF-style: chr11-94224128-A-T.
Other names: c.24T>A, p.Asp8Glu (NM_001330347.2, NM_005590.4); short protein forms D8E.
Identifiers: ClinVar variation 821377 (VCV000821377.4), dbSNP rs1591726899, ClinGen allele CA382381172.